The following is an entry in ClinVar:

ClinVar aggregate classification (germline): Likely benign. Review status: criteria provided, multiple submitters, no conflicts (2 of 4 stars). 3 submissions from 3 submitters: Likely benign (3). Last evaluated 2025-04-24.

Conditions:
Inborn genetic diseases. Identifiers: MedGen C0950123, MeSH D030342.
Pulmonary fibrosis and/or bone marrow failure, Telomere-related, 3. Also called: PULMONARY FIBROSIS AND/OR BONE MARROW FAILURE SYNDROME, TELOMERE-RELATED, 3. Identifiers: Orphanet 2032, MedGen C4225346, MONDO:0014613, OMIM 616373.
Dyskeratosis congenita, autosomal recessive 5 (DKCB5). Identifiers: MedGen C3554656, MONDO:0014076, OMIM 615190.

Allele frequency attached by ClinVar (database versions not stated): gnomAD below 0.00001 and 0.00001; TOPMed below 0.00001; gnomAD exomes 0.00004 and 0.00008; ExAC 0.00013; 1000 Genomes Project 30x 0.00016; 1000 Genomes Project 0.00020.
gnomAD v4.1: 56 of 1,612,024 alleles (0.0035%); highest among the groups gnomAD compares: South Asian, 0.055%; no homozygotes.

Submissions (3):

Labcorp Genetics (formerly Invitae), Labcorp
Classification: Likely benign for Dyskeratosis congenita, autosomal recessive 5; Pulmonary fibrosis and/or bone marrow failure, Telomere-related, 3. Last evaluated: 2025-04-24. Review status: criteria provided, single submitter. Criteria: Invitae Variant Classification Sherloc (09022015). Collection method: clinical testing. Allele origin: germline.

Ambry Genetics
Classification: Likely benign for Inborn genetic diseases. Last evaluated: 2024-11-21. Review status: criteria provided, single submitter. Criteria: Ambry Variant Classification Scheme 2023. Collection method: clinical testing. Allele origin: germline.

CeGaT Center for Human Genetics Tuebingen
Classification: Likely benign. Last evaluated: 2022-12-01. Review status: criteria provided, single submitter. Criteria: CeGaT Center For Human Genetics Tuebingen Variant Classification Criteria Version 2. Collection method: clinical testing. Allele origin: germline. Affected: yes. Observed: 1 variant allele.
Comment: RTEL1: BP4, BP7

NM_001283009.2(RTEL1):c.1074G>A (p.Thr358=)

Genes: RTEL1 (regulator of telomere elongation helicase 1; plus strand), RTEL1-TNFRSF6B (RTEL1-TNFRSF6B readthrough (NMD candidate); plus strand). Cytogenetic location: 20q13.33.
Variant type: single nucleotide variant.
Coding change: c.1074G>A on transcript NM_001283009.2 (MANE Select); coding-DNA position 1074, G replaced by A.
Protein change: p.Thr358=; no amino-acid change (threonine 358 retained).
Molecular consequence: synonymous variant. On other transcripts: non-coding transcript variant (1).
Genome position (GRCh38, 1-based): chr20:63,679,885, G>A. VCF-style: chr20-63679885-G-A. GRCh37 (hg19) VCF-style: chr20-62311238-G-A.
Other names: c.405G>A, p.Thr135= (NM_001283010.1); c.1074G>A, p.Thr358= (NM_016434.4); c.1146G>A, p.Thr382= (NM_032957.5).
Identifiers: ClinVar variation 540944 (VCV000540944.36), dbSNP rs375256851, ClinGen allele CA9964599.